The following is an entry in ClinVar:

ClinVar aggregate classification (germline): Uncertain significance (1 of 4 stars; one submission).

Submission:

Geisinger Autism and Developmental Medicine Institute, Geisinger Health System
Classification: Uncertain significance. Last evaluated: 2018-02-21. Review status: criteria provided, single submitter. Criteria: ACMG Guidelines, 2015. Collection method: provider interpretation, clinical testing. Allele origin: de novo. Observed: 1 variant allele.
Comment: This variant is absent from the gnomAD database. Computational models predict it to be deleterious, and it was found to be de novo (with maternity and paternity confirmed). However, this is a gene of uncertain significance; no known human disorders had been clearly associated with this gene.

NM_001005273.3(CHD3):c.887T>C (p.Leu296Pro)

Genes: CHD3 (chromodomain helicase DNA binding protein 3; plus strand), LOC126862484 (CDK7 strongly-dependent group 2 enhancer GRCh37_chr17:7797066-7798265; plus strand). Cytogenetic location: 17p13.1.
Variant type: single nucleotide variant.
Coding change: c.887T>C on transcript NM_001005273.3 (MANE Select); coding-DNA position 887, T replaced by C.
Protein change: p.Leu296Pro; replaces leucine 296 with proline.
Molecular consequence: missense variant.
Genome position (GRCh38, 1-based): chr17:7,893,898, T>C. VCF-style: chr17-7893898-T-C. GRCh37 (hg19) VCF-style: chr17-7797216-T-C.
Other names: c.1064T>C, p.Leu355Pro (NM_001005271.3); c.887T>C, p.Leu296Pro (NM_005852.4); short protein forms L355P, L296P.
Identifiers: ClinVar variation 560242 (VCV000560242.3), dbSNP rs1567841825, ClinGen allele CA397938050.